The following is an entry in ClinVar:

NM_001376007.1(SLFN11):c.1692C>T (p.Leu564=)

Gene: SLFN11 (schlafen family member 11; minus strand). Cytogenetic location: 17q12.
Variant type: single nucleotide variant.
Coding change: c.1692C>T on transcript NM_001376007.1 (MANE Select); coding-DNA position 1692, C replaced by T.
Protein change: p.Leu564=; no amino-acid change (leucine 564 retained).
Molecular consequence: synonymous variant.
Genome position (GRCh38, 1-based): chr17:35,353,566, G>A on the plus strand (C>T on the coding strand, the complement: SLFN11 is on the minus strand). VCF-style: chr17-35353566-G-A. GRCh37 (hg19) VCF-style: chr17-33680585-G-A.
Other names: c.1692C>T, p.Leu564= (NM_001104587.2, NM_001104588.2, NM_001104589.2 and 12 more transcripts).
Identifiers: ClinVar variation 3388520 (VCV003388520.14).

ClinVar aggregate classification (germline): Likely benign (1 of 4 stars; one submission).

gnomAD v4.1: 765 of 1,279,116 alleles (0.06%); highest among the groups gnomAD compares: Non-Finnish European, 0.011%; 8 homozygotes.

Submission:

CeGaT Center for Human Genetics Tuebingen
Classification: Likely benign. Last evaluated: 2024-11-01. Review status: criteria provided, single submitter. Criteria: CeGaT Center For Human Genetics Tuebingen Variant Classification Criteria Version 2. Collection method: clinical testing. Allele origin: germline. Affected: yes. Observed: 1 variant allele.
Comment: SLFN11: BP4, BP7